The following is an entry in ClinVar:

ClinVar aggregate classification (germline): Uncertain significance (1 of 4 stars; one submission).

Conditions:
Atrioventricular septal defect 4 (AVSD4). Identifiers: MedGen C3280781, MONDO:0013747, OMIM 614430.

gnomAD v4.1: 4 of 1,528,038 alleles (0.00026%); highest among the groups gnomAD compares: Non-Finnish European, 0.00035%; no homozygotes.

Submission:

Labcorp Genetics (formerly Invitae), Labcorp
Classification: Uncertain significance for Atrioventricular septal defect 4. Last evaluated: 2025-01-16. Review status: criteria provided, single submitter. Criteria: Invitae Variant Classification Sherloc (09022015). Collection method: clinical testing. Allele origin: germline.
Comment: This sequence change replaces arginine, which is basic and polar, with proline, which is neutral and non-polar, at codon 195 of the GATA4 protein (p.Arg195Pro). The frequency data for this variant in the population databases is considered unreliable, as metrics indicate poor data quality at this position in the gnomAD database. This variant has not been reported in the literature in individuals affected with GATA4-related conditions. ClinVar contains an entry for this variant (Variation ID: 472778). Invitae Evidence Modeling of protein sequence and biophysical properties (such as structural, functional, and spatial information, amino acid conservation, physicochemical variation, residue mobility, and thermodynamic stability) has been performed for this missense variant. However, the output from this modeling did not meet the statistical confidence thresholds required to predict the impact of this variant on GATA4 protein function. In summary, the available evidence is currently insufficient to determine the role of this variant in disease. Therefore, it has been classified as a Variant of Uncertain Significance.

NM_001308093.3(GATA4):c.584G>C (p.Arg195Pro)

Gene: GATA4 (GATA binding protein 4). Cytogenetic location: 8p23.1.
Variant type: single nucleotide variant.
Coding change: c.584G>C on transcript NM_001308093.3 (MANE Select); coding-DNA position 584, G replaced by C.
Protein change: p.Arg195Pro; replaces arginine 195 with proline.
Molecular consequence: missense variant. On other transcripts: intron variant (3).
Genome position (GRCh38, 1-based): chr8:11,708,896, G>C. VCF-style: chr8-11708896-G-C. GRCh37 (hg19) VCF-style: chr8-11566405-G-C.
Other names: c.584G>C, p.Arg195Pro (NM_002052.5); c.-6+8118G>C (NM_001308094.2); c.-3+882G>C (NM_001374274.1); c.-3+4592G>C (NM_001374273.1); short protein forms R195P.
Identifiers: ClinVar variation 472778 (VCV000472778.6), dbSNP rs1334859780, ClinGen allele CA370309933.